The following is an entry in ClinVar:

ClinVar aggregate classification (germline): Uncertain significance (1 of 4 stars; one submission).

Conditions:
Autosomal dominant nonsyndromic hearing loss 1. Also called: KONIGSMARK SYNDROME; DEAFNESS, AUTOSOMAL DOMINANT 1, WITH OR WITHOUT THROMBOCYTOPENIA. Identifiers: Orphanet 90635, MedGen C1852282, MONDO:0007424, OMIM 124900.
Progressive microcephaly-seizures-cortical blindness-developmental delay syndrome. Also called: Seizures, cortical blindness, and microcephaly syndrome. Identifiers: Orphanet 477814, MedGen C5567650, MONDO:0014714, OMIM 616632.

Submission:

Labcorp Genetics (formerly Invitae), Labcorp
Classification: Uncertain significance for Progressive microcephaly-seizures-cortical blindness-developmental delay syndrome; Autosomal dominant nonsyndromic hearing loss 1. Last evaluated: 2023-12-06. Review status: criteria provided, single submitter. Criteria: Invitae Variant Classification Sherloc (09022015). Collection method: clinical testing. Allele origin: germline.
Comment: This sequence change replaces lysine, which is basic and polar, with arginine, which is basic and polar, at codon 1085 of the DIAPH1 protein (p.Lys1085Arg). This variant is not present in population databases (gnomAD no frequency). This variant has not been reported in the literature in individuals affected with DIAPH1-related conditions. An algorithm developed to predict the effect of missense changes on protein structure and function (PolyPhen-2) suggests that this variant is likely to be tolerated. Algorithms developed to predict the effect of sequence changes on RNA splicing suggest that this variant may disrupt the consensus splice site. In summary, the available evidence is currently insufficient to determine the role of this variant in disease. Therefore, it has been classified as a Variant of Uncertain Significance.

NM_005219.5(DIAPH1):c.3254A>G (p.Lys1085Arg)

Gene: DIAPH1 (diaphanous related formin 1; minus strand). Cytogenetic location: 5q31.3.
Variant type: single nucleotide variant.
Coding change: c.3254A>G on transcript NM_005219.5 (MANE Select); coding-DNA position 3254, A replaced by G.
Protein change: p.Lys1085Arg; replaces lysine 1085 with arginine.
Molecular consequence: missense variant.
Genome position (GRCh38, 1-based): chr5:141,527,592, T>C on the plus strand (A>G on the coding strand, the complement: DIAPH1 is on the minus strand). VCF-style: chr5-141527592-T-C. GRCh37 (hg19) VCF-style: chr5-140907159-T-C.
Other names: c.3227A>G, p.Lys1076Arg (NM_001079812.3); c.3254A>G, p.Lys1085Arg (NM_001314007.2); short protein forms K1076R, K1085R.
Identifiers: ClinVar variation 2949859 (VCV002949859.3), dbSNP rs1345966018, ClinGen allele CA361580840.
Genomic context (GRCh38, chr5:141,527,592, plus strand): 5'-CCCTTCCTAGGGAACAACTCCCTCCTTTCAAGAGAGGATATGGTCATTTTTTCAACAAAC[T>C]TGTCTTTTTCATCTGTGGCAGCTGGGAAATTCTGAACATCACGTTCCACATCAGAAATTT-3'
Protein context (NP_005210.3, residues 1075-1095): NFPAATDEKD[Lys1085Arg]FVEKMTSFVK